The following is an entry in ClinVar:

NM_181523.3(PIK3R1):c.586C>T (p.Pro196Ser)

Gene: PIK3R1 (phosphoinositide-3-kinase regulatory subunit 1; plus strand). Cytogenetic location: 5q13.1.
Variant type: single nucleotide variant.
Coding change: c.586C>T on transcript NM_181523.3 (MANE Select); coding-DNA position 586, C replaced by T.
Protein change: p.Pro196Ser; replaces proline 196 with serine.
Molecular consequence: missense variant.
Genome position (GRCh38, 1-based): chr5:68,279,685, C>T. VCF-style: chr5-68279685-C-T. GRCh37 (hg19) VCF-style: chr5-67575513-C-T.
Other names: p.Pro196Ser; short protein forms P196S.
Identifiers: ClinVar variation 1423325 (VCV001423325.9), dbSNP rs1418066079, ClinGen allele CA359873975.

ClinVar aggregate classification (germline): Uncertain significance. Review status: criteria provided, multiple submitters, no conflicts (2 of 4 stars). 2 submissions from 2 submitters: Uncertain significance (2). Last evaluated 2025-03-11.

Conditions:
Immunodeficiency 36 with lymphoproliferation. Also called: ACTIVATED PI3K-DELTA SYNDROME 2; Immunodeficiency 36; Activated PI3K Delta Syndrome Type 2 (APDS2). Identifiers: Orphanet 397596, Orphanet 693681, MedGen C4014934, MONDO:0014453, OMIM 616005.
SHORT syndrome. Also called: LIPODYSTROPHY, PARTIAL, WITH RIEGER ANOMALY AND SHORT STATURE; PIK3R1-Related SHORT Syndrome; SHORT STATURE, HYPEREXTENSIBILITY, HERNIA, OCULAR DEPRESSION, RIEGER ANOMALY, AND TEETHING DELAY. Identifiers: Orphanet 3163, MedGen C0878684, MONDO:0010026, OMIM 269880.
Agammaglobulinemia 7, autosomal recessive (AGM7). Also called: AGAMMAGLOBULINEMIA, AUTOSOMAL RECESSIVE, DUE TO PIK3R1 DEFECT. Identifiers: MedGen C3554689, MONDO:0014083, OMIM 615214.

Allele frequency attached by ClinVar (database versions not stated): gnomAD 0.00001; gnomAD exomes 0.00001; TOPMed 0.00001.
gnomAD v4.1: 13 of 1,614,050 alleles (0.00081%); highest among the groups gnomAD compares: Non-Finnish European, 0.001%; no homozygotes.

Submissions (2):

Mayo Clinic Laboratories, Mayo Clinic
Classification: Uncertain significance. Last evaluated: 2025-03-11. Review status: criteria provided, single submitter. Criteria: ACMG Guidelines, 2015. Collection method: clinical testing. Allele origin: germline. Observed: 1 variant allele.
Comment: PM2_supporting

Labcorp Genetics (formerly Invitae), Labcorp
Classification: Uncertain significance for SHORT syndrome; Immunodeficiency 36 with lymphoproliferation; Agammaglobulinemia 7, autosomal recessive. Last evaluated: 2021-02-18. Review status: criteria provided, single submitter. Criteria: Invitae Variant Classification Sherloc (09022015). Collection method: clinical testing. Allele origin: germline.
Comment: In summary, the available evidence is currently insufficient to determine the role of this variant in disease. Therefore, it has been classified as a Variant of Uncertain Significance. Algorithms developed to predict the effect of missense changes on protein structure and function are either unavailable or do not agree on the potential impact of this missense change (SIFT: "Deleterious"; PolyPhen-2: "Benign"; Align-GVGD: "Class C0"). This variant has not been reported in the literature in individuals with PIK3R1-related conditions. This variant is not present in population databases (ExAC no frequency). This sequence change replaces proline with serine at codon 196 of the PIK3R1 protein (p.Pro196Ser). The proline residue is highly conserved and there is a moderate physicochemical difference between proline and serine.